The following is an entry in ClinVar:

NM_024753.5(TTC21B):c.2572C>T (p.Arg858Ter)

Gene: TTC21B (tetratricopeptide repeat domain 21B; minus strand). Cytogenetic location: 2q24.3.
Variant type: single nucleotide variant.
Coding change: c.2572C>T on transcript NM_024753.5 (MANE Select); coding-DNA position 2572, C replaced by T.
Protein change: p.Arg858Ter; replaces arginine 858 with a stop codon.
Molecular consequence: nonsense.
Genome position (GRCh38, 1-based): chr2:165,901,907, G>A on the plus strand (C>T on the coding strand, the complement: TTC21B is on the minus strand). VCF-style: chr2-165901907-G-A. GRCh37 (hg19) VCF-style: chr2-166758417-G-A.
Other names: c.2572C>T (NM_024753.4); short protein forms R858*.
Identifiers: ClinVar variation 1399888 (VCV001399888.9), dbSNP rs895624584, ClinGen allele CA59787882.

ClinVar aggregate classification (germline): Pathogenic/Likely pathogenic. Review status: criteria provided, multiple submitters, no conflicts (2 of 4 stars). 4 submissions from 4 submitters: Pathogenic (2); Likely pathogenic (2). Last evaluated 2025-11-25.

Conditions:
Nephronophthisis. Also called: Juvenile Nephronophthisis. Identifiers: Orphanet 655, MedGen C0687120, MONDO:0019005, HP:0000090.
Jeune thoracic dystrophy. Also called: Jeune syndrome; Infantile thoracic dystrophy; Thoracic pelvic phalangeal dystrophy; Jeune's syndrome; Chondroectodermal dysplasia-like syndrome; Short-rib thoracic dysplasia. Identifiers: Orphanet 474, MedGen C0265275, MONDO:0018770.
TTC21B-related disorder. Also called: TTC21B-related disorders; TTC21B-related condition.

Allele frequency attached by ClinVar (database versions not stated): TOPMed 0.00001.
gnomAD v4.1: 8 of 1,612,168 alleles (0.0005%); highest among the groups gnomAD compares: Non-Finnish European, 0.00059%; no homozygotes.

Submissions (4):

PreventionGenetics, part of Exact Sciences
Classification: Pathogenic for TTC21B-related condition. Last evaluated: 2025-11-25. Review status: criteria provided, single submitter. Criteria: ACMG Guidelines, 2015. Collection method: clinical testing. Allele origin: germline.
Comment: The TTC21B c.2572C>T variant is predicted to result in premature protein termination (p.Arg858*). This variant has been reported in an individual with autosomal recessive nephronophthisis-related ciliopathy (Kang et al. 2016. PubMed ID: 27491411). This variant is reported in 0.00088% of alleles in individuals of European (non-Finnish) descent in gnomAD. Nonsense variants in TTC21B are expected to be pathogenic. This variant is interpreted as pathogenic.

GeneDx
Classification: Likely pathogenic. Last evaluated: 2025-05-16. Review status: criteria provided, single submitter. Criteria: GeneDx Variant Classification Process June 2021. Collection method: clinical testing. Allele origin: germline. Affected: yes.
Comment: Identified in a patient with nephronophthisis-related ciliopathy in published literature (PMID: 27491411); Nonsense variant predicted to result in protein truncation or nonsense mediated decay in a gene for which loss-of-function is a known mechanism of disease; Not observed at significant frequency in large population cohorts (gnomAD); This variant is associated with the following publications: (PMID: 27491411)

Blueprint Genetics
Classification: Likely pathogenic for TTC21B-related disorders. Last evaluated: 2024-11-13. Review status: criteria provided, single submitter. Criteria: ACMG Guidelines, 2015. Collection method: clinical testing. Allele origin: germline. Affected: yes. Observed: 4 variant alleles.

Labcorp Genetics (formerly Invitae), Labcorp
Classification: Pathogenic for Jeune thoracic dystrophy; Nephronophthisis. Last evaluated: 2024-05-26. Review status: criteria provided, single submitter. Criteria: Invitae Variant Classification Sherloc (09022015). Collection method: clinical testing. Allele origin: germline.
Comment: This sequence change creates a premature translational stop signal (p.Arg858*) in the TTC21B gene. It is expected to result in an absent or disrupted protein product. Loss-of-function variants in TTC21B are known to be pathogenic (PMID: 18327258, 21068128, 21258341, 23559409, 24876116, 25492405, 27491411, 29068549). This variant is present in population databases (no rsID available, gnomAD 0.002%). This premature translational stop signal has been observed in individual(s) with nephronophthisis-related ciliopathy (PMID: 27491411). ClinVar contains an entry for this variant (Variation ID: 1399888). For these reasons, this variant has been classified as Pathogenic.

Literature cited by the submitters: PubMed 18327258 (cited by Labcorp Genetics (formerly Invitae), Labcorp); PubMed 21068128 (cited by Labcorp Genetics (formerly Invitae), Labcorp); PubMed 21258341 (cited by Labcorp Genetics (formerly Invitae), Labcorp); PubMed 23559409 (cited by Labcorp Genetics (formerly Invitae), Labcorp); PubMed 24876116 (cited by Labcorp Genetics (formerly Invitae), Labcorp); PubMed 25492405 (cited by Labcorp Genetics (formerly Invitae), Labcorp); PubMed 27491411 (cited by Labcorp Genetics (formerly Invitae), Labcorp); PubMed 29068549 (cited by Labcorp Genetics (formerly Invitae), Labcorp).